The following is an entry in ClinVar:

ClinVar aggregate classification (germline): Uncertain significance. Review status: criteria provided, multiple submitters, no conflicts (2 of 4 stars). 2 submissions from 2 submitters: Uncertain significance (2). Last evaluated 2024-08-11.

gnomAD v4.1: 13 of 1,584,672 alleles (0.00082%); highest among the groups gnomAD compares: African/African-American, 0.0094%; no homozygotes.

Submissions (2):

Ambry Genetics
Classification: Uncertain significance. Last evaluated: 2024-08-11. Review status: criteria provided, single submitter. Criteria: Ambry Variant Classification Scheme 2023. Collection method: clinical testing. Allele origin: germline.

Labcorp Genetics (formerly Invitae), Labcorp
Classification: Uncertain significance. Last evaluated: 2024-06-12. Review status: criteria provided, single submitter. Criteria: Invitae Variant Classification Sherloc (09022015). Collection method: clinical testing. Allele origin: germline.
Comment: This sequence change replaces arginine, which is basic and polar, with cysteine, which is neutral and slightly polar, at codon 45 of the FGFRL1 protein (p.Arg45Cys). The frequency data for this variant in the population databases is considered unreliable, as metrics indicate poor data quality at this position in the gnomAD database. This variant has not been reported in the literature in individuals affected with FGFRL1-related conditions. An algorithm developed to predict the effect of missense changes on protein structure and function (PolyPhen-2) suggests that this variant is likely to be tolerated. In summary, the available evidence is currently insufficient to determine the role of this variant in disease. Therefore, it has been classified as a Variant of Uncertain Significance.

NM_001004356.3(FGFRL1):c.133C>T (p.Arg45Cys)

Gene: FGFRL1 (fibroblast growth factor receptor like 1; plus strand). Cytogenetic location: 4p16.3.
Variant type: single nucleotide variant.
Coding change: c.133C>T on transcript NM_001004356.3 (MANE Select); coding-DNA position 133, C replaced by T.
Protein change: p.Arg45Cys; replaces arginine 45 with cysteine.
Molecular consequence: missense variant.
Genome position (GRCh38, 1-based): chr4:1,022,256, C>T. VCF-style: chr4-1022256-C-T. GRCh37 (hg19) VCF-style: chr4-1016044-C-T.
Other names: c.133C>T, p.Arg45Cys (NM_001004358.1, NM_001370296.1, NM_021923.3); short protein forms R45C.
Identifiers: ClinVar variation 3515030 (VCV003515030.3).